The following is an entry in ClinVar:

NM_001164508.2(NEB):c.2835+5G>A

Gene: NEB (nebulin; minus strand). Cytogenetic location: 2q23.3.
Variant type: single nucleotide variant.
Coding change: c.2835+5G>A on transcript NM_001164508.2 (MANE Select); 5 bases into the intron after coding-DNA position 2835, G replaced by A.
Molecular consequence: intron variant.
Genome position (GRCh38, 1-based): chr2:151,684,773, C>T on the plus strand (G>A on the coding strand, the complement: NEB is on the minus strand). VCF-style: chr2-151684773-C-T. GRCh37 (hg19) VCF-style: chr2-152541287-C-T.
Other names: NM_001164508.2:c.2835+5G>A; c.2835+5G>A (NM_004543.5, NM_001164507.2, NM_001271208.2).
Identifiers: ClinVar variation 3776992 (VCV003776992.1).

ClinVar aggregate classification (germline): Uncertain significance (1 of 4 stars; one submission).

Conditions:
Nemaline myopathy. Also called: Myopathies, Nemaline. Identifiers: Orphanet 607, MedGen C0206157, MONDO:0018958.

gnomAD v4.1: 1 of 1,564,564 alleles (0.000064%); highest among the groups gnomAD compares: East Asian, 0.0023%; no homozygotes.

Submission:

Broad Center for Mendelian Genomics, Broad Institute of MIT and Harvard
Classification: Uncertain significance for Nemaline myopathy. Last evaluated: 2025-03-21. Review status: criteria provided, single submitter. Criteria: ACMG Guidelines, 2015. Collection method: curation. Allele origin: germline. Inheritance: Autosomal recessive inheritance.
Comment: The c.2835+5G>A variant in NEB has been been reported in 2 individuals with nemaline myopathy (PMID: 34440373, 29792937), and has been identified in 0.002% (1/44354) of East Asian chromosomes by the Genome Aggregation Database (gnomAD). Although this variant has been seen in the general population in a heterozygous state, its frequency is low enough to be consistent with a recessive carrier frequency. This variant is located in the 3‚Äô splice region. Computational prediction tools and conservation analyses suggest that this variant may impact the protein, though this information is not predictive enough to determine pathogenicity. The phenotype of an individual heterozygous variant is highly specific for nemaline myopathy based on the presence of nemaline rods on a muscle biopsy consistent with disease (PMID: 34440373). One additional likely pathogenic variant, predicted to induce the same splicing effect as this variant, has been reported in ClinVar as being associated with nemaline myopathy, supporting that the c.2835+5G>A variant may be pathogenic (Variation ID: 2033710). In summary, while there is some suspicion for a pathogenic role, the clinical significance of this variant is uncertain. ACMG/AMP Criteria applied: PS1_supporting, PP3, PP4, PM2_supporting (Richards 2015).